The following is an entry in ClinVar:

NM_000390.4(CHM):c.1051A>G (p.Thr351Ala)

Gene: CHM (CHM Rab escort protein; minus strand). Cytogenetic location: Xq21.2.
Variant type: single nucleotide variant.
Coding change: c.1051A>G on transcript NM_000390.4 (MANE Select); coding-DNA position 1051, A replaced by G.
Protein change: p.Thr351Ala; replaces threonine 351 with alanine.
Molecular consequence: missense variant.
Genome position (GRCh38, 1-based): chrX:85,956,268, T>C on the plus strand (A>G on the coding strand, the complement: CHM is on the minus strand). VCF-style: chrX-85956268-T-C. GRCh37 (hg19) VCF-style: chrX-85211273-T-C.
Other names: c.607A>G, p.Thr203Ala (NM_001320959.1, NM_001362517.1, NM_001362518.2 and 1 more transcripts); short protein forms T203A, T351A.
Identifiers: ClinVar variation 2150071 (VCV002150071.2), dbSNP rs1249153392, ClinGen allele CA413785168.

ClinVar aggregate classification (germline): Uncertain significance. Review status: criteria provided, multiple submitters, no conflicts (2 of 4 stars). 2 submissions from 2 submitters: Uncertain significance (2). Last evaluated 2025-07-31.

Conditions:
Inborn genetic diseases. Identifiers: MedGen C0950123, MeSH D030342.

Submissions (2):

Ambry Genetics
Classification: Uncertain significance for Inborn genetic diseases. Last evaluated: 2025-07-31. Review status: criteria provided, single submitter. Criteria: Ambry Variant Classification Scheme 2023. Collection method: clinical testing. Allele origin: germline.

Labcorp Genetics (formerly Invitae), Labcorp
Classification: Uncertain significance. Last evaluated: 2022-08-16. Review status: criteria provided, single submitter. Criteria: Invitae Variant Classification Sherloc (09022015). Collection method: clinical testing. Allele origin: germline.
Comment: This sequence change replaces threonine, which is neutral and polar, with alanine, which is neutral and non-polar, at codon 351 of the CHM protein (p.Thr351Ala). This variant is present in population databases (no rsID available, gnomAD 0.001%), including at least one homozygous and/or hemizygous individual. This variant has not been reported in the literature in individuals affected with CHM-related conditions. Algorithms developed to predict the effect of missense changes on protein structure and function are either unavailable or do not agree on the potential impact of this missense change (SIFT: "Tolerated"; PolyPhen-2: "Probably Damaging"; Align-GVGD: "Class C0"). In summary, the available evidence is currently insufficient to determine the role of this variant in disease. Therefore, it has been classified as a Variant of Uncertain Significance.